The following is an entry in ClinVar:

ClinVar aggregate classification (germline): Uncertain significance (1 of 4 stars; one submission).

Conditions:
Autoimmune lymphoproliferative syndrome, type III caused by mutation in PRKCD. Identifiers: Orphanet 3261, Orphanet 664711, MedGen C3809928, MONDO:8000024, OMIM 615559.

gnomAD v4.1: 2 of 1,613,912 alleles (0.00012%); highest among the groups gnomAD compares: Non-Finnish European, 0.00017%; no homozygotes.

Submission:

Labcorp Genetics (formerly Invitae), Labcorp
Classification: Uncertain significance for Autoimmune lymphoproliferative syndrome, type III caused by mutation in PRKCD. Last evaluated: 2021-12-19. Review status: criteria provided, single submitter. Criteria: Invitae Variant Classification Sherloc (09022015). Collection method: clinical testing. Allele origin: germline.
Comment: Algorithms developed to predict the effect of missense changes on protein structure and function are either unavailable or do not agree on the potential impact of this missense change (SIFT: "Deleterious"; PolyPhen-2: "Probably Damaging"; Align-GVGD: "Class C0"). In summary, the available evidence is currently insufficient to determine the role of this variant in disease. Therefore, it has been classified as a Variant of Uncertain Significance. This variant has not been reported in the literature in individuals affected with PRKCD-related conditions. This variant is not present in population databases (gnomAD no frequency). This sequence change replaces leucine, which is neutral and non-polar, with methionine, which is neutral and non-polar, at codon 368 of the PRKCD protein (p.Leu368Met).

NM_006254.4(PRKCD):c.1102C>A (p.Leu368Met)

Gene: PRKCD (protein kinase C delta; plus strand). Cytogenetic location: 3p21.1.
Variant type: single nucleotide variant.
Coding change: c.1102C>A on transcript NM_006254.4 (MANE Select); coding-DNA position 1102, C replaced by A.
Protein change: p.Leu368Met; replaces leucine 368 with methionine.
Molecular consequence: missense variant.
Genome position (GRCh38, 1-based): chr3:53,186,182, C>A. VCF-style: chr3-53186182-C-A. GRCh37 (hg19) VCF-style: chr3-53220198-C-A.
Other names: c.1102C>A, p.Leu368Met (NM_001316327.2, NM_001354679.2, NM_001354680.2 and 1 more transcripts); c.1159C>A, p.Leu387Met (NM_001354676.2); c.1150C>A, p.Leu384Met (NM_001354678.2); short protein forms L387M, L368M, L384M.
Identifiers: ClinVar variation 2047636 (VCV002047636.4), dbSNP rs538452225, ClinGen allele CA353221551.